The following is an entry in ClinVar:

NM_001032386.2(SUOX):c.629C>T (p.Pro210Leu)

Gene: SUOX (sulfite oxidase; plus strand). Cytogenetic location: 12q13.2.
Variant type: single nucleotide variant.
Coding change: c.629C>T on transcript NM_001032386.2 (MANE Select); coding-DNA position 629, C replaced by T.
Protein change: p.Pro210Leu; replaces proline 210 with leucine.
Molecular consequence: missense variant.
Genome position (GRCh38, 1-based): chr12:56,004,018, C>T. VCF-style: chr12-56004018-C-T. GRCh37 (hg19) VCF-style: chr12-56397802-C-T.
Other names: c.629C>T, p.Pro210Leu (NM_000456.3, NM_001032387.2); short protein forms P210L.
Identifiers: ClinVar variation 309837 (VCV000309837.52), dbSNP rs141735896, ClinGen allele CA6621015.
Genomic context (GRCh38, chr12:56,004,018, plus strand): 5'-GCCAGCGGCCCTTTAATGCAGAGCCTCCCCCTGAGCTGCTGACAGAAAACTACATCACAC[C>T]CAACCCTATCTTCTTCACCCGGAACCATCTGCCTGTACCTAACCTGGATCCAGACACCTA-3'
Protein context (NP_001027558.1, residues 200-220): PELLTENYIT[Pro210Leu]NPIFFTRNHL

ClinVar aggregate classification (germline): Benign/Likely benign. Review status: criteria provided, multiple submitters, no conflicts (2 of 4 stars). 10 submissions from 10 submitters: Benign (3); Likely benign (6). 1 of the submissions does not count toward it. Last evaluated 2026-09-01.

Conditions:
SUOX-related disorder. Also called: SUOX-related condition.
Sulfite oxidase deficiency. Also called: Isolated sulfite oxidase deficiency. Identifiers: Orphanet 833, Orphanet 99731, MedGen C0268624, MONDO:0010089, OMIM 272300, HP:0003643.

Allele frequency attached by ClinVar (database versions not stated): 1000 Genomes Project 30x 0.00172; 1000 Genomes Project 0.00180; ExAC 0.00274; ESP Exome Variant Server 0.00277; gnomAD exomes 0.00294; gnomAD 0.00326 and 0.00351; TOPMed 0.00376.
gnomAD v4.1: 6,986 of 1,614,130 alleles (0.43%); highest among the groups gnomAD compares: Admixed American, 0.55%; 25 homozygotes.

Submissions (10):

CeGaT Center for Human Genetics Tuebingen
Classification: Likely benign. Last evaluated: 2026-09-01. Review status: criteria provided, single submitter. Criteria: CeGaT Center For Human Genetics Tuebingen Variant Classification Criteria Version 2. Collection method: clinical testing. Allele origin: germline. Affected: yes. Observed: 5 variant alleles.
Comment: SUOX: BS2

Labcorp Genetics (formerly Invitae), Labcorp
Classification: Benign for Sulfite oxidase deficiency. Last evaluated: 2026-02-02. Review status: criteria provided, single submitter. Criteria: Invitae Variant Classification Sherloc (09022015). Collection method: clinical testing. Allele origin: germline.

Blueprint Genetics
Classification: Likely benign. Last evaluated: 2024-11-06. Review status: criteria provided, single submitter. Criteria: ACMG Guidelines, 2015. Collection method: clinical testing. Allele origin: germline.

Fulgent Genetics
Classification: Likely benign for Sulfite oxidase deficiency. Last evaluated: 2021-10-16. Review status: criteria provided, single submitter. Criteria: ACMG Guidelines, 2015. Collection method: clinical testing. Allele origin: unknown.

Department of Pathology and Laboratory Medicine, Sinai Health System
Classification: Benign for Sulfite oxidase deficiency. Last evaluated: 2020-08-06. Review status: criteria provided, single submitter. Criteria: ACMG Guidelines, 2015. Collection method: research. Allele origin: germline.

ARUP Laboratories, Molecular Genetics and Genomics, ARUP Laboratories
Classification: Benign for Sulfite oxidase deficiency. Last evaluated: 2019-06-26. Review status: criteria provided, single submitter. Criteria: ARUP Molecular Germline Variant Investigation Process. Collection method: clinical testing. Allele origin: germline.

Mendelics
Classification: Likely benign for Sulfite oxidase deficiency. Last evaluated: 2019-05-28. Review status: criteria provided, single submitter. Criteria: Mendelics Assertion Criteria 2017. Collection method: clinical testing. Allele origin: unknown.

Illumina Laboratory Services, Illumina
Classification: Likely benign for Sulfite oxidase deficiency. Last evaluated: 2018-01-13. Review status: criteria provided, single submitter. Criteria: ICSL Variant Classification Criteria 13 December 2019. Collection method: clinical testing. Allele origin: germline.
Comment: This variant was observed in the ICSL laboratory as part of a predisposition screen in an ostensibly healthy population. It had not been previously curated by ICSL or reported in the Human Gene Mutation Database (HGMD: prior to June 1st, 2018), and was therefore a candidate for classification through an automated scoring system. Utilizing variant allele frequency, disease prevalence and penetrance estimates, and inheritance mode, an automated score was calculated to assess if this variant is too frequent to cause the disease. Based on the score and internal cut-off values, a variant classified as likely benign is not then subjected to further curation. The score for this variant resulted in a classification of likely benign for this disease.

Breakthrough Genomics
Classification: Likely benign. Review status: criteria provided, single submitter. Criteria: ACMG Guidelines, 2015. Collection method: not provided. Allele origin: germline. Inheritance: Autosomal recessive inheritance. Affected: yes.

PreventionGenetics, part of Exact Sciences
Classification: Likely benign for SUOX-related condition. Last evaluated: 2022-02-25. Review status: no assertion criteria provided. Collection method: clinical testing. Allele origin: germline. Not counted in ClinVar's aggregate classification.
Comment: This variant is classified as likely benign based on ACMG/AMP sequence variant interpretation guidelines (Richards et al. 2015 PMID: 25741868, with internal and published modifications).